The following is an entry in ClinVar:

ClinVar aggregate classification (germline): Uncertain significance. Review status: criteria provided, multiple submitters, no conflicts (2 of 4 stars). 2 submissions from 2 submitters: Uncertain significance (2). Last evaluated 2024-08-05.

Conditions:
Peroxisome biogenesis disorder 2B (PBD2B). Identifiers: Orphanet 44, MedGen C3550234, MONDO:0008736, OMIM 202370.

Allele frequency attached by ClinVar (database versions not stated): gnomAD exomes below 0.00001.
gnomAD v4.1: 1 of 1,614,076 alleles (0.000062%); highest among the groups gnomAD compares: Admixed American, 0.0017%; no homozygotes.

Submissions (2):

Mayo Clinic Laboratories, Mayo Clinic
Classification: Uncertain significance. Last evaluated: 2024-08-05. Review status: criteria provided, single submitter. Criteria: ACMG Guidelines, 2015. Collection method: clinical testing. Allele origin: germline. Observed: 1 variant allele.
Comment: BP4_moderate

Labcorp Genetics (formerly Invitae), Labcorp
Classification: Uncertain significance for Peroxisome biogenesis disorder 2B. Last evaluated: 2024-02-05. Review status: criteria provided, single submitter. Criteria: Invitae Variant Classification Sherloc (09022015). Collection method: clinical testing. Allele origin: germline.
Comment: This sequence change replaces glutamine, which is neutral and polar, with glutamic acid, which is acidic and polar, at codon 325 of the PEX5 protein (p.Gln325Glu). This variant is present in population databases (no rsID available, gnomAD 0.003%). This variant has not been reported in the literature in individuals affected with PEX5-related conditions. ClinVar contains an entry for this variant (Variation ID: 1393909). Advanced modeling of protein sequence and biophysical properties (such as structural, functional, and spatial information, amino acid conservation, physicochemical variation, residue mobility, and thermodynamic stability) performed at Invitae indicates that this missense variant is not expected to disrupt PEX5 protein function with a negative predictive value of 80%. In summary, the available evidence is currently insufficient to determine the role of this variant in disease. Therefore, it has been classified as a Variant of Uncertain Significance.

NM_001351132.2(PEX5):c.973C>G (p.Gln325Glu)

Gene: PEX5 (peroxisomal biogenesis factor 5; plus strand). Cytogenetic location: 12p13.31.
Variant type: single nucleotide variant.
Coding change: c.973C>G on transcript NM_001351132.2 (MANE Select); coding-DNA position 973, C replaced by G.
Protein change: p.Gln325Glu; replaces glutamine 325 with glutamic acid.
Molecular consequence: missense variant. On other transcripts: intron variant (1).
Genome position (GRCh38, 1-based): chr12:7,207,665, C>G. VCF-style: chr12-7207665-C-G. GRCh37 (hg19) VCF-style: chr12-7360261-C-G.
Other names: p.Gln340Glu; c.949C>G, p.Gln317Glu (NM_000319.5); c.1018C>G, p.Gln340Glu (NM_001131023.2); c.862C>G, p.Gln288Glu (NM_001131024.2, NM_001351124.3, NM_001351126.2 and 7 more transcripts); c.973C>G, p.Gln325Glu (NM_001131025.2, NM_001131026.2, NM_001300789.3 and 4 more transcripts); c.907C>G, p.Gln303Glu (NM_001351135.3, NM_001351138.2); c.838C>G, p.Gln280Glu (NM_001351139.2, NM_001351140.2, NM_001374649.2); c.967-3C>G (NM_001351136.2); and 1 more; short protein forms Q280E, Q325E, Q288E, Q303E, Q317E, Q340E.
Identifiers: ClinVar variation 1393909 (VCV001393909.8), dbSNP rs1369524555, ClinGen allele CA383729732.